The following is an entry in ClinVar:

NM_021625.5(TRPV4):c.713-14_713-9delinsCCCCCG

Gene: TRPV4 (transient receptor potential cation channel subfamily V member 4; minus strand). Cytogenetic location: 12q24.11.
Variant type: Indel.
Coding change: c.713-14_713-9delinsCCCCCG on transcript NM_021625.5 (MANE Select); 14 bases into the intron before coding-DNA position 713 through 9 bases into the intron before coding-DNA position 713, TCCCCT replaced by CCCCCG.
Molecular consequence: intron variant.
Genome position (GRCh38, 1-based): chr12:109,800,767-109,800,772, AGGGGA replaced by CGGGGG on the plus strand (TCCCCT replaced by CCCCCG on the coding strand, the reverse complement: TRPV4 is on the minus strand). VCF-style: chr12-109800767-AGGGGA-CGGGGG. GRCh37 (hg19) VCF-style: chr12-110238572-AGGGGA-CGGGGG.
Other names: c.713-1860_713-1855delinsCCCCCG (NM_001177433.1, NM_001177428.1); c.713-14_713-9delinsCCCCCG (NM_147204.2); c.611-14_611-9delinsCCCCCG (NM_001177431.1).
Identifiers: ClinVar variation 1317028 (VCV001317028.2), dbSNP rs2136538769, ClinGen allele CA2573053596.

ClinVar aggregate classification (germline): Uncertain significance (1 of 4 stars; one submission).

Submission:

GeneDx
Classification: Uncertain significance. Last evaluated: 2019-06-06. Review status: criteria provided, single submitter. Criteria: GeneDx Variant Classification Process June 2021. Collection method: clinical testing. Allele origin: germline. Affected: yes.
Comment: Not observed in large population cohorts (Lek et al., 2016); Has not been previously published as pathogenic or benign to our knowledge; In silico analysis, which includes splice predictors and evolutionary conservation, suggests this variant may impact gene splicing. In the absence of RNA/functional studies, the actual effect of this sequence change is unknown.